The following is an entry in ClinVar:

NM_001042492.3(NF1):c.5254A>G (p.Lys1752Glu)

Gene: NF1 (neurofibromin 1; plus strand). Cytogenetic location: 17q11.2.
Variant type: single nucleotide variant.
Coding change: c.5254A>G on transcript NM_001042492.3 (MANE Select); coding-DNA position 5254, A replaced by G.
Protein change: p.Lys1752Glu; replaces lysine 1752 with glutamic acid.
Molecular consequence: missense variant.
Genome position (GRCh38, 1-based): chr17:31,326,238, A>G. VCF-style: chr17-31326238-A-G. GRCh37 (hg19) VCF-style: chr17-29653256-A-G.
Other names: c.5191A>G, p.Lys1731Glu (NM_000267.4); short protein forms K1731E, K1752E.
Identifiers: ClinVar variation 1684952 (VCV001684952.4), dbSNP rs2069338262, ClinGen allele CA399008366.

ClinVar aggregate classification (germline): Uncertain significance. Review status: criteria provided, multiple submitters, no conflicts (2 of 4 stars). 2 submissions from 2 submitters: Uncertain significance (2). Last evaluated 2024-09-23.

Conditions:
Neurofibromatosis, type 1 (NF1). Also called: Neurofibromatosis, type I; NEUROFIBROMATOSIS, TYPE I, SOMATIC; VON RECKLINGHAUSEN DISEASE; Peripheral type neurofibromatosis. Identifiers: Orphanet 636, MedGen C0027831, MONDO:0018975, OMIM 162200. Disease mechanism: loss of function.

Allele frequency attached by ClinVar (database versions not stated): TOPMed below 0.00001.

Submissions (2):

Labcorp Genetics (formerly Invitae), Labcorp
Classification: Uncertain significance for Neurofibromatosis, type 1. Last evaluated: 2024-09-23. Review status: criteria provided, single submitter. Criteria: Invitae Variant Classification Sherloc (09022015). Collection method: clinical testing. Allele origin: germline.
Comment: This sequence change replaces lysine, which is basic and polar, with glutamic acid, which is acidic and polar, at codon 1731 of the NF1 protein (p.Lys1731Glu). This variant is not present in population databases (gnomAD no frequency). This variant has not been reported in the literature in individuals affected with NF1-related conditions. ClinVar contains an entry for this variant (Variation ID: 1684952). Invitae Evidence Modeling of protein sequence and biophysical properties (such as structural, functional, and spatial information, amino acid conservation, physicochemical variation, residue mobility, and thermodynamic stability) indicates that this missense variant is expected to disrupt NF1 protein function with a positive predictive value of 95%. In summary, the available evidence is currently insufficient to determine the role of this variant in disease. Therefore, it has been classified as a Variant of Uncertain Significance.

Mendelics
Classification: Uncertain significance. Last evaluated: 2022-05-04. Review status: criteria provided, single submitter. Criteria: Mendelics Assertion Criteria 2019. Collection method: clinical testing. Allele origin: germline.